The following is an entry in ClinVar:

NM_022552.5(DNMT3A):c.2645G>A (p.Arg882His)

Gene: DNMT3A (DNA methyltransferase 3 alpha; minus strand). Cytogenetic location: 2p23.3.
Variant type: single nucleotide variant.
Coding change: c.2645G>A on transcript NM_022552.5 (MANE Select); coding-DNA position 2645, G replaced by A.
Protein change: p.Arg882His; replaces arginine 882 with histidine.
Molecular consequence: missense variant. On other transcripts: non-coding transcript variant (1).
Genome position (GRCh38, 1-based): chr2:25,234,373, C>T on the plus strand (G>A on the coding strand, the complement: DNMT3A is on the minus strand). VCF-style: chr2-25234373-C-T. GRCh37 (hg19) VCF-style: chr2-25457242-C-T.
Other names: c.2645G>A (NM_022552.4); c.2645G>A, p.Arg882His (NM_175629.2); c.2189G>A, p.Arg730His (NM_001320893.1); c.1976G>A, p.Arg659His (NM_001375819.1); c.2078G>A, p.Arg693His (NM_153759.3); short protein forms R693H, R882H, R730H, R659H.
Identifiers: ClinVar variation 375881 (VCV000375881.63), dbSNP rs147001633, ClinGen allele CA1555488.

ClinVar aggregate classification (germline): Pathogenic/Likely pathogenic. Review status: criteria provided, multiple submitters, no conflicts (2 of 4 stars). 20 submissions from 19 submitters: Pathogenic (9); Likely pathogenic (5). 6 of the submissions do not count toward it. Last evaluated 2026-09-01.
ClinVar aggregate classification (somatic clinical impact): Tier II - Potential (0 of 4 stars; one submission).
ClinVar aggregate classification (oncogenicity): Oncogenic (1 of 4 stars; one submission).

Conditions:
Inborn genetic diseases. Identifiers: MedGen C0950123, MeSH D030342.
Acute myeloid leukemia (AML). Also called: Leukemia, acute myeloid, somatic; Leukemia, acute myelogenous, somatic; Acute myeloid leukemia, adult; AML adult; Acute non-lymphocytic leukemia; Acute granulocytic leukemia. Identifiers: Orphanet 519, MedGen C0023467, MeSH D015470, MONDO:0018874, OMIM 601626, HP:0004808. Disease mechanism: Constitutively activated FLT3.
EBV-positive nodal T- and NK-cell lymphoma.
Tatton-Brown-Rahman overgrowth syndrome. Also called: Tall stature-intellectual disability-facial dysmorphism syndrome; Tatton-Brown-Rahman syndrome. Identifiers: Orphanet 404443, MedGen C4014545, MONDO:0014382, OMIM 615879.
DNMT3A-related disorder. Also called: DNMT3A-related condition; DNMT3A-related disorders.
Abnormality of the nervous system. Also called: Congenital nervous system disorder. Identifiers: MedGen C0497552, MONDO:0002320, HP:0000707.
Intellectual disability. Also called: Intellectual functioning disability; intellectual disabilities; Intellectual developmental disorder. Identifiers: MedGen C3714756, MeSH D008607, MONDO:0001071, HP:0001249.
Clonal Cytopenia of Undetermined Significance. Identifiers: MedGen C5442191.
Heyn-Sproul-Jackson syndrome. Also called: MICROCEPHALY, SHORT STATURE, AND IMPAIRED INTELLECTUAL DEVELOPMENT. Identifiers: Orphanet 658595, MedGen C5231475, MONDO:0032882, OMIM 618724.
Neoplasm. Also called: tumor; Neoplasms; Neoplasm (disease). Identifiers: MedGen C0027651, MeSH D009369, MONDO:0005070, HP:0002664.

Allele frequency attached by ClinVar (database versions not stated): ESP Exome Variant Server 0.00069.
gnomAD v4.1: 427 of 1,612,436 alleles (0.026%); highest among the groups gnomAD compares: African/African-American, 0.045%; no homozygotes.

Submissions 1 to 10 of 22:

CeGaT Center for Human Genetics Tuebingen
Classification: Pathogenic. Last evaluated: 2026-09-01. Review status: criteria provided, single submitter. Criteria: CeGaT Center For Human Genetics Tuebingen Variant Classification Criteria Version 2. Collection method: clinical testing. Allele origin: germline. Affected: yes. Observed: 2 variant alleles.
Comment: DNMT3A: PM1:Strong, PS4, PP3, PS3:Supporting

Genetics and Genomic Medicine Centre, NeuroGen Healthcare, NeuroGen Healthcare
Classification: Likely pathogenic for Tatton-Brown-Rahman overgrowth syndrome. Last evaluated: 2026-01-21. Review status: criteria provided, single submitter. Criteria: ACMG Guidelines, 2015. Collection method: clinical testing. Allele origin: unknown. Affected: yes.

Center for Genomic Medicine, Rigshospitalet, Copenhagen University Hospital
Classification: Oncogenic for Neoplasm. Last evaluated: 2025-03-04. Review status: criteria provided, single submitter. Criteria: ClinGen/CGC/VICC Guidelines for Oncogenicity, 2022. Collection method: clinical testing. Allele origin: somatic. Affected: yes.

Clinical Genomic Analysis (GENYSIS) Core, University of North Carolina at Chapel Hill
Classification: Pathogenic for Tatton-Brown-Rahman overgrowth syndrome. Last evaluated: 2025-02-19. Review status: criteria provided, single submitter. Criteria: ACMG Guidelines, 2015. Collection method: research. Allele origin: de novo. Observed: 1 heterozygote, 1 mosaic individual. Study: UNC Genetic Determinants of Neurological and Developmental Disorders (GDNDD) Study.
Comment: DNMT3A c.2645G>A, p.(Arg882His), is a missense variant predicted to change a single highly conserved amnio acid from an arginine to a histidine. Although this variant is present at an allele frequency of 0.026% (427/1,612,436 alleles) in the gnomADv4.1 population database, most reports of this variant (99.3%; 424/427 alleles) are in individuals 40 years or older, suggesting they represent somatic variants associated with clonal hematopoiesis. The c.2645G>A; p.(Arg882His) variant is classified as Pathogenic/Likely Pathogenic by several clinical laboratories in ClinVar and has been reported in multiple individuals with Tatton-Brown-Rahman syndrome (TBRS), including several individuals with a childhood-onset hematologic malignancy (PMIDs 27991732, 28252636, 28941052, 31961069, 34788385). Based on the available information, we consider this variant pathogenic. ACMG codes: PS2 (confirmed de novo), PS3 (functional studies), PM1 (mutational hotspot), PM5 (pArg882Cys is also pathogenic), PP3 (REVEL score between 0.644 and 0.773).

Labcorp Genetics (formerly Invitae), Labcorp
Classification: Pathogenic for Tatton-Brown-Rahman overgrowth syndrome. Last evaluated: 2025-02-19. Review status: criteria provided, single submitter. Criteria: Invitae Variant Classification Sherloc (09022015). Collection method: clinical testing. Allele origin: germline.
Comment: This sequence change replaces arginine, which is basic and polar, with histidine, which is basic and polar, at codon 882 of the DNMT3A protein (p.Arg882His). The frequency data for this variant in the population databases is considered unreliable, as metrics indicate poor data quality at this position in the gnomAD database. This missense change has been observed in individual(s) with Tatton-Brown-Rahman overgrowth syndrome (PMID: 27991732, 28252636). In at least one individual the variant was observed to be de novo. ClinVar contains an entry for this variant (Variation ID: 375881). Invitae Evidence Modeling of protein sequence and biophysical properties (such as structural, functional, and spatial information, amino acid conservation, physicochemical variation, residue mobility, and thermodynamic stability) has been performed for this missense variant. However, the output from this modeling did not meet the statistical confidence thresholds required to predict the impact of this variant on DNMT3A protein function. Experimental studies have shown that this missense change affects DNMT3A function (PMID: 22722925, 24622842, 24656771, 26876596). For these reasons, this variant has been classified as Pathogenic.

Mendelics
Classification: Pathogenic. Last evaluated: 2024-06-25. Review status: criteria provided, single submitter. Criteria: Mendelics Assertion Criteria 2019. Collection method: clinical testing. Allele origin: germline.
Comment: This variant has been reported as a de novo event in multiple unrelated individuals with Tatton-Brown–Rahman syndrome, as well as other missense variant in the same residue (PubMed 28941052 ; PubMed 34788385). Codon 882 is considered a mutational hotspot for both somatic events in hematological neoplasias and for constitutional mutations leading to TBRS. Population data for this variant is unreliable as it might be the result of postzygotic clonal hematopoiesis Functional studies have demonstrated approximately 80% reduction of methyltransferase activity for this mutant (PubMed 24656771). Therefore we interpret it as pathogenic.

3billion
Classification: Pathogenic for Tatton-Brown-Rahman overgrowth syndrome. Last evaluated: 2024-06-12. Review status: criteria provided, single submitter. Criteria: ACMG Guidelines, 2015. Collection method: clinical testing. Allele origin: germline. Affected: yes.
Comment: The variant is observed at an allele frequency greater than expected for the associated disorder in the gnomAD v4.0.0 dataset. However, this is due to the presence of potential somatic variants and the frequency data for this variant in the population databases is not applicable. Predicted Consequence/Location: Missense variant In silico tool predictions suggest damaging effect of the variant on gene or gene product [REVEL: 0.74 (>=0.6, sensitivity 0.68 and specificity 0.92); 3Cnet: 0.68 (>=0.6, sensitivity 0.72 and precision 0.9)]. The same nucleotide change resulting in the same amino acid change has been previously reported as pathogenic/likely pathogenic with strong evidence (ClinVar ID: VCV000375881 /PMID: 27991732). Different missense changes at the same codon (p.Arg882Cys, p.Arg882Gly, p.Arg882Leu, p.Arg882Pro, p.Arg882Ser) have been reported as pathogenic/likely pathogenic with strong evidence (ClinVar ID: VCV000375879, VCV000375880, VCV000375882, VCV000375883, VCV000375884 /PMID: 27317772, 34092059). Therefore, this variant is classified as Pathogenic according to the recommendation of ACMG/AMP guideline.

Clinical Genetics Laboratory, CHRU Nancy
Classification: Pathogenic for Tatton-Brown-Rahman overgrowth syndrome. Last evaluated: 2024-03-24. Review status: criteria provided, single submitter. Criteria: ACMG Guidelines, 2015. Collection method: clinical testing. Allele origin: germline. Affected: yes.

Revvity Omics, Revvity
Classification: Likely pathogenic. Last evaluated: 2024-02-13. Review status: criteria provided, single submitter. Criteria: ACMG Guidelines, 2015. Collection method: clinical testing. Allele origin: germline.

New York Genome Center
Classification: Pathogenic for Tatton-Brown-Rahman overgrowth syndrome. Last evaluated: 2023-04-13. Review status: criteria provided, single submitter. Criteria: NYGC Assertion Criteria 2020. Collection method: clinical testing. Allele origin: germline. Observed: 1 heterozygote, 1 mosaic individual.
Comment: The c.2645G>A, p.(Arg882His) variant identified in the DNMT3A gene was identified at low variant allele frequency (4/26 reads, 15%VAF), and may represent a low level mosaic germline variant or an acquired somatic variant. The c.2645G>A, p.(Arg882His) variant in the DNMT3A gene is a well known Pathogenic variant and has been identified in multiple individuals with Tatton-Brown-Rahman syndrome [PMID: 29900417, 27991732, 28941052, others], and is also often identified as a somatic variant in Acute Myeloid Leukemia cells [PMID:21067377, 24656771, 35771960, others]. Functional studies demonstrate that this variant impairs DNA methyltransferase activity resulting in hypomethylation of regions throughout the genome [PMID:31620784, 31582562, 32385248, others]. The c.2645G>A, p.(Arg882His) variant identified in the DNMT3A gene is reported as Pathogenic.